The following is an entry in ClinVar:

NM_001182.5(ALDH7A1):c.1016A>G (p.His339Arg)

Gene: ALDH7A1 (aldehyde dehydrogenase 7 family member A1; minus strand). Cytogenetic location: 5q23.2.
Variant type: single nucleotide variant.
Coding change: c.1016A>G on transcript NM_001182.5 (MANE Select); coding-DNA position 1016, A replaced by G.
Protein change: p.His339Arg; replaces histidine 339 with arginine.
Molecular consequence: missense variant. On other transcripts: intron variant (1).
Genome position (GRCh38, 1-based): chr5:126,556,008, T>C on the plus strand (A>G on the coding strand, the complement: ALDH7A1 is on the minus strand). VCF-style: chr5-126556008-T-C. GRCh37 (hg19) VCF-style: chr5-125891700-T-C.
Other names: p.H339R:CAT>CGT; c.932A>G, p.His311Arg (NM_001201377.2); c.1008+3232A>G (NM_001202404.2); short protein forms H339R, H311R.
Identifiers: ClinVar variation 204864 (VCV000204864.16), dbSNP rs199767457, ClinGen allele CA313233.

ClinVar aggregate classification (germline): Conflicting classifications of pathogenicity. Review status: criteria provided, conflicting classifications (1 of 4 stars). 5 submissions from 5 submitters: Uncertain significance (3); Likely benign (2). Last evaluated 2025-12-29.

Conditions:
Pyridoxine-dependent epilepsy (EPEO4). Also called: Pyridoxine-Dependent Epilepsy - ALDH7A1; PYRIDOXINE DEPENDENCY WITH SEIZURES; Pyridoxine-Dependent Seizures; EPILEPSY, EARLY-ONSET, 4, VITAMIN B6-DEPENDENT. Identifiers: Orphanet 3006, MedGen C1849508, MONDO:0009945, OMIM 266100. Disease mechanism: loss of function.

Allele frequency attached by ClinVar (database versions not stated): gnomAD 0.00006 and 0.00010; gnomAD exomes 0.00010 and 0.00019; TOPMed 0.00012; 1000 Genomes Project 30x 0.00016; 1000 Genomes Project 0.00020; ExAC 0.00020.
gnomAD v4.1: 155 of 1,612,632 alleles (0.0096%); highest among the groups gnomAD compares: East Asian, 0.34%; no homozygotes.

Submissions (5):

Labcorp Genetics (formerly Invitae), Labcorp
Classification: Likely benign for Pyridoxine-dependent epilepsy. Last evaluated: 2025-12-29. Review status: criteria provided, single submitter. Criteria: Invitae Variant Classification Sherloc (09022015). Collection method: clinical testing. Allele origin: germline.

Women's Health and Genetics/Laboratory Corporation of America, LabCorp
Classification: Likely benign. Last evaluated: 2024-12-27. Review status: criteria provided, single submitter. Criteria: LabCorp Variant Classification Summary - May 2015. Collection method: clinical testing. Allele origin: germline.
Comment: Variant summary: ALDH7A1 c.1016A>G (p.His339Arg) results in a non-conservative amino acid change in the encoded protein sequence. Five of five in-silico tools predict a damaging effect of the variant on protein function. The variant allele was found at a frequency of 0.00019 in 251304 control chromosomes, predominantly at a frequency of 0.0026 within the East Asian subpopulation in the gnomAD database. The observed variant frequency within East Asian control individuals in the gnomAD database is approximately 1.47 fold of the estimated maximal expected allele frequency for a pathogenic variant in ALDH7A1 causing Pyridoxine-Dependent Epilepsy phenotype (0.0018). c.1016A>G has been reported in the literature in individuals affected with epilepsy (Lee_2018, Ko_2023). These report(s) do not provide unequivocal conclusions about association of the variant with Pyridoxine-Dependent Epilepsy. To our knowledge, no experimental evidence demonstrating an impact on protein function has been reported. The following publications have been ascertained in the context of this evaluation (PMID: 37645600, 29924869). ClinVar contains an entry for this variant (Variation ID: 204864). Based on the evidence outlined above, the variant was classified as likely benign.

Blueprint Genetics
Classification: Uncertain significance. Last evaluated: 2021-12-19. Review status: criteria provided, single submitter. Criteria: ACMG Guidelines, 2015. Collection method: clinical testing. Allele origin: germline.

Illumina Laboratory Services, Illumina
Classification: Uncertain significance for Pyridoxine-dependent epilepsy. Last evaluated: 2018-01-13. Review status: criteria provided, single submitter. Criteria: ICSL Variant Classification Criteria 13 December 2019. Collection method: clinical testing. Allele origin: germline.

GeneDx
Classification: Uncertain significance. Last evaluated: 2017-05-26. Review status: criteria provided, single submitter. Criteria: GeneDx Variant Classification (06012015). Collection method: clinical testing. Allele origin: germline. Affected: yes.
Comment: A variant of uncertain significance has been identified in the ALDH7A1 gene. The H339R variant has not been published as a pathogenic variant, nor has it been reported as a benign variant to our knowledge. The H339R variant is observed in 24/8620 (0.3%) alleles from individuals of East Asian background (Lek et al., 2016; 1000 Genomes Consortium et al., 2015; Exome Variant Server). This substitution occurs at a position that is conserved across species. In silico analysis predicts this variant is probably damaging to the protein structure/function. However, the H339R variant is a conservative amino acid substitution, which is not likely to impact secondary protein structure as these residues share similar properties. Therefore, based on the currently available information, it is unclear whether this variant is a pathogenic variant or a rare benign variant.

Literature cited by the submitters: PubMed 29924869 (cited by Women's Health and Genetics/Laboratory Corporation of America, LabCorp); PubMed 37645600 (cited by Women's Health and Genetics/Laboratory Corporation of America, LabCorp).